The following is an entry in ClinVar:

NM_000501.4(ELN):c.158G>A (p.Gly53Glu)

Gene: ELN (elastin; plus strand). Cytogenetic location: 7q11.23.
Variant type: single nucleotide variant.
Coding change: c.158G>A on transcript NM_000501.4 (MANE Select); coding-DNA position 158, G replaced by A.
Protein change: p.Gly53Glu; replaces glycine 53 with glutamic acid.
Molecular consequence: missense variant. On other transcripts: intron variant (4).
Genome position (GRCh38, 1-based): chr7:74,036,579, G>A. VCF-style: chr7-74036579-G-A. GRCh37 (hg19) VCF-style: chr7-73450909-G-A.
Other names: c.158G>A, p.Gly53Glu (NM_001081753.3, NM_001081754.3, NM_001081755.3 and 5 more transcripts); c.134-1128G>A (NM_001278914.2, NM_001278917.2, NM_001081752.3 and 1 more transcripts); short protein forms G53E.
Identifiers: ClinVar variation 1985492 (VCV001985492.4), dbSNP rs2484850492, ClinGen allele CA367868957.
Genomic context (GRCh38, chr7:74,036,579, plus strand): 5'-CCGATGATCTCTCTTTCTCTTTCTCTCCCCCCACAGGGGCTGGTCTCGGAGCCCTTGGAG[G>A]AGGAGGTGAGCTCAGAAACCACACTTGTTCATCACTGAAAGGGCCTGGGTTTCACCCGAG-3'
Protein context (NP_000492.2, residues 43-63): YPGAGLGALG[Gly53Glu]GALGPGGKPL

ClinVar aggregate classification (germline): Uncertain significance (1 of 4 stars; one submission).

Conditions:
Supravalvar aortic stenosis (SVAS). Also called: Supravalvar aortic stenosis, Eisenberg type. Identifiers: Orphanet 3193, MedGen C0003499, MONDO:0008504, OMIM 185500, HP:0004381.

Submission:

Labcorp Genetics (formerly Invitae), Labcorp
Classification: Uncertain significance for Supravalvar aortic stenosis. Last evaluated: 2024-05-23. Review status: criteria provided, single submitter. Criteria: Invitae Variant Classification Sherloc (09022015). Collection method: clinical testing. Allele origin: germline.
Comment: This sequence change replaces glycine, which is neutral and non-polar, with glutamic acid, which is acidic and polar, at codon 53 of the ELN protein (p.Gly53Glu). This variant is not present in population databases (gnomAD no frequency). This variant has not been reported in the literature in individuals affected with ELN-related conditions. ClinVar contains an entry for this variant (Variation ID: 1985492). Advanced modeling of protein sequence and biophysical properties (such as structural, functional, and spatial information, amino acid conservation, physicochemical variation, residue mobility, and thermodynamic stability) performed at Invitae indicates that this missense variant is not expected to disrupt ELN protein function with a negative predictive value of 80%. In summary, the available evidence is currently insufficient to determine the role of this variant in disease. Therefore, it has been classified as a Variant of Uncertain Significance.